The following is an entry in ClinVar:

NM_201384.3(PLEC):c.9317G>A (p.Arg3106Lys)

Gene: PLEC (plectin; minus strand). Cytogenetic location: 8q24.3.
Variant type: single nucleotide variant.
Coding change: c.9317G>A on transcript NM_201384.3 (MANE Select); coding-DNA position 9317, G replaced by A.
Protein change: p.Arg3106Lys; replaces arginine 3106 with lysine.
Molecular consequence: missense variant.
Genome position (GRCh38, 1-based): chr8:143,920,504, C>T on the plus strand (G>A on the coding strand, the complement: PLEC is on the minus strand). VCF-style: chr8-143920504-C-T. GRCh37 (hg19) VCF-style: chr8-144994672-C-T.
Other names: c.9398G>A (NM_000445.3); c.9398G>A, p.Arg3133Lys (NM_000445.5); c.9275G>A, p.Arg3092Lys (NM_201378.4); c.9251G>A, p.Arg3084Lys (NM_201379.3); c.9728G>A, p.Arg3243Lys (NM_201380.4); c.9221G>A, p.Arg3074Lys (NM_201381.3); c.9317G>A, p.Arg3106Lys (NM_201382.4); c.9329G>A, p.Arg3110Lys (NM_201383.3); short protein forms R3074K, R3084K, R3092K, R3106K, R3110K, R3133K, R3243K.
Identifiers: ClinVar variation 1004138 (VCV001004138.10), dbSNP rs374190410, ClinGen allele CA4925004.

ClinVar aggregate classification (germline): Conflicting classifications of pathogenicity. Review status: criteria provided, conflicting classifications (1 of 4 stars). 2 submissions from 2 submitters: Uncertain significance (1); Likely benign (1). Last evaluated 2024-10-16.

Conditions:
Inborn genetic diseases. Identifiers: MedGen C0950123, MeSH D030342.
Epidermolysis bullosa simplex 5B, with muscular dystrophy (EBS5B). Also called: Epidermolysis bullosa simplex with muscular dystrophy; EPIDERMOLYSIS BULLOSA SIMPLEX AND LIMB-GIRDLE MUSCULAR DYSTROPHY. Identifiers: Orphanet 257, MedGen C2931072, MONDO:0009181, OMIM 226670.
Epidermolysis bullosa simplex, Ogna type (EBS5A). Also called: Pidermolysis bullosa simplex 5A, Ogna type; EPIDERMOLYSIS BULLOSA SIMPLEX 5A, OGNA TYPE. Identifiers: Orphanet 79401, MedGen C0432317, MONDO:0007555, OMIM 131950.
Epidermolysis bullosa simplex 5C, with pyloric atresia (EBS5C). Also called: PLEC-Related Epidermolysis Bullosa with Pyloric Atresia; Epidermolysis bullosa simplex with pyloric atresia; PLEC1-Related Epidermolysis Bullosa with Pyloric Atresia. Identifiers: Orphanet 158684, MedGen C2677349, MONDO:0012807, OMIM 612138.
Autosomal recessive limb-girdle muscular dystrophy type 2Q (LGMDR17). Also called: MUSCULAR DYSTROPHY, LIMB-GIRDLE, AUTOSOMAL RECESSIVE 17. Identifiers: Orphanet 254361, MedGen C3150989, MONDO:0013390, OMIM 613723.
Epidermolysis bullosa simplex with nail dystrophy (EBS5D). Identifiers: MedGen C4225309, MONDO:0014661, OMIM 616487.

Allele frequency attached by ClinVar (database versions not stated): gnomAD exomes below 0.00001 and 0.00001; gnomAD 0.00004 and 0.00003; TOPMed 0.00006; ESP Exome Variant Server 0.00008; 1000 Genomes Project 30x 0.00016; ExAC 0.00002.
gnomAD v4.1: 9 of 1,610,686 alleles (0.00056%); highest among the groups gnomAD compares: African/African-American, 0.0093%; no homozygotes.

Submissions (2):

Ambry Genetics
Classification: Likely benign for Inborn genetic diseases. Last evaluated: 2024-10-16. Review status: criteria provided, single submitter. Criteria: Ambry Variant Classification Scheme 2023. Collection method: clinical testing. Allele origin: germline.

Labcorp Genetics (formerly Invitae), Labcorp
Classification: Uncertain significance for Autosomal recessive limb-girdle muscular dystrophy type 2Q; Epidermolysis bullosa simplex, Ogna type; Epidermolysis bullosa simplex with nail dystrophy; Epidermolysis bullosa simplex 5C, with pyloric atresia; Epidermolysis bullosa simplex 5B, with muscular dystrophy. Last evaluated: 2024-02-14. Review status: criteria provided, single submitter. Criteria: Invitae Variant Classification Sherloc (09022015). Collection method: clinical testing. Allele origin: germline.
Comment: This sequence change replaces arginine, which is basic and polar, with lysine, which is basic and polar, at codon 3133 of the PLEC protein (p.Arg3133Lys). The frequency data for this variant in the population databases is considered unreliable, as metrics indicate poor data quality at this position in the gnomAD database. This variant has not been reported in the literature in individuals affected with PLEC-related conditions. ClinVar contains an entry for this variant (Variation ID: 1004138). Algorithms developed to predict the effect of missense changes on protein structure and function output the following: SIFT: "Not Available"; PolyPhen-2: "Benign"; Align-GVGD: "Not Available". The lysine amino acid residue is found in multiple mammalian species, which suggests that this missense change does not adversely affect protein function. In summary, the available evidence is currently insufficient to determine the role of this variant in disease. Therefore, it has been classified as a Variant of Uncertain Significance.